The following is an entry in ClinVar:

NM_006096.4(NDRG1):c.595-129G>A

Gene: NDRG1 (N-myc downstream regulated 1; minus strand). Cytogenetic location: 8q24.22.
Variant type: single nucleotide variant.
Coding change: c.595-129G>A on transcript NM_006096.4 (MANE Select); 129 bases into the intron before coding-DNA position 595, G replaced by A.
Molecular consequence: intron variant.
Genome position (GRCh38, 1-based): chr8:133,250,672, C>T on the plus strand (G>A on the coding strand, the complement: NDRG1 is on the minus strand). VCF-style: chr8-133250672-C-T. GRCh37 (hg19) VCF-style: chr8-134262915-C-T.
Other names: c.397-129G>A (NM_001258432.2, NM_001374847.1); c.352-129G>A (NM_001258433.2); c.646-129G>A (NM_001374844.1); c.595-129G>A (NM_001135242.2, NM_001374845.1, NM_001374846.1).
Identifiers: ClinVar variation 667668 (VCV000667668.2), dbSNP rs36076004, ClinGen allele CA12848551.

ClinVar aggregate classification (germline): Benign. Review status: criteria provided, multiple submitters, no conflicts (2 of 4 stars). 2 submissions from 2 submitters: Benign (2). Last evaluated 2018-06-19.

Allele frequency attached by ClinVar (database versions not stated): 1000 Genomes Project 0.05511; 1000 Genomes Project 30x 0.05528; TOPMed 0.10109.
gnomAD v4.1: 89,619 of 801,692 alleles (11%); highest among the groups gnomAD compares: Middle Eastern, 15%; 6,402 homozygotes.

Submissions (2):

GeneDx
Classification: Benign. Last evaluated: 2018-06-19. Review status: criteria provided, single submitter. Criteria: GeneDx Variant Classification (06012015). Collection method: clinical testing. Allele origin: germline. Affected: yes.
Comment: This variant is considered likely benign or benign based on one or more of the following criteria: it is a conservative change, it occurs at a poorly conserved position in the protein, it is predicted to be benign by multiple in silico algorithms, and/or has population frequency not consistent with disease.

Breakthrough Genomics
Classification: Benign. Review status: criteria provided, single submitter. Criteria: ACMG Guidelines, 2015. Collection method: not provided. Allele origin: germline. Inheritance: Autosomal recessive inheritance. Affected: yes.